The following is an entry in ClinVar:

ClinVar aggregate classification (germline): Pathogenic. Review status: criteria provided, multiple submitters, no conflicts (2 of 4 stars). 5 submissions from 5 submitters: Pathogenic (5). Last evaluated 2025-04-03.

Conditions:
Glycogen storage disease. Also called: glycogen storage disorder; Disorder of glycogen metabolism. Identifiers: Orphanet 79201, MedGen C0017919, MONDO:0002412.
Glycogen storage disease, type V (GSD5). Also called: PYGM DEFICIENCY; McArdle type glycogen storage disease; MUSCLE GLYCOGEN PHOSPHORYLASE DEFICIENCY; MYOPHOSPHORYLASE DEFICIENCY; MCARDLE DISEASE. Identifiers: Orphanet 368, MedGen C0017924, MONDO:0009293, OMIM 232600.

Allele frequency attached by ClinVar (database versions not stated): TOPMed below 0.00001; gnomAD exomes 0.00002; ExAC 0.00004.
gnomAD v4.1: 33 of 1,614,212 alleles (0.002%); highest among the groups gnomAD compares: Non-Finnish European, 0.0025%; no homozygotes.

Submissions (5):

Labcorp Genetics (formerly Invitae), Labcorp
Classification: Pathogenic for Glycogen storage disease, type V. Last evaluated: 2025-04-03. Review status: criteria provided, single submitter. Criteria: Invitae Variant Classification Sherloc (09022015). Collection method: clinical testing. Allele origin: germline.
Comment: This sequence change replaces glycine, which is neutral and non-polar, with arginine, which is basic and polar, at codon 695 of the PYGM protein (p.Gly695Arg). This variant is present in population databases (rs768604948, gnomAD 0.004%). This missense change has been observed in individual(s) with McArdle disease (PMID: 16924035, 29143597, 30316539; externalcommunication). In at least one individual the data is consistent with being in trans (on the opposite chromosome) from a pathogenic variant. ClinVar contains an entry for this variant (Variation ID: 658611). Invitae Evidence Modeling of protein sequence and biophysical properties (such as structural, functional, and spatial information, amino acid conservation, physicochemical variation, residue mobility, and thermodynamic stability) indicates that this missense variant is expected to disrupt PYGM protein function with a positive predictive value of 95%. For these reasons, this variant has been classified as Pathogenic.

Natera, Inc.
Classification: Pathogenic for Glycogen storage disease V. Last evaluated: 2025-01-16. Review status: criteria provided, single submitter. Criteria: Natera Variant Classification Schema (03/2026). Collection method: clinical testing. Allele origin: germline.
Comment: The c.2083G>A variant in PYGM is a missense variant predicted to cause substitution of glycine to arginine at amino acid 695. This variant is rare in the general population with a frequency below the threshold expected for the associated phenotype(s). This variant has been observed in one or more individuals affected with the associated recessive disease, as either homozygous or compound heterozygous with a second variant (PMID: 16924035, 30316539, 29143597). Computational prediction algorithms indicate this variant is likely to affect gene or protein function. Given the available evidence, this variant is classified as Pathogenic.

Fulgent Genetics
Classification: Pathogenic for Glycogen storage disease, type V. Last evaluated: 2024-05-09. Review status: criteria provided, single submitter. Criteria: ACMG Guidelines, 2015. Collection method: clinical testing. Allele origin: germline.

Molecular Genetics, Royal Melbourne Hospital
Classification: Pathogenic for Glycogen storage disease, type V. Last evaluated: 2023-04-11. Review status: criteria provided, single submitter. Criteria: ACMG Guidelines, 2015. Collection method: clinical testing. Allele origin: germline. Affected: yes.
Comment: This sequence change in PYGM is predicted to replace glycine with arginine at codon 695, p.(Gly695Arg). The glycine residue is highly conserved (98/98 vertebrates, UCSC), and is not located in an annotated domain. There is a large physicochemical difference between glycine and arginine. The highest population minor allele frequency in the population database gnomAD v2.1 is 0.004% (5/113,760 alleles) in the European (non-Finnish) population, which is consistent with recessive disease. This variant has been detected in at least six individuals with glycogen storage disease type V (or McArdle disease), with a biochemical diagnosis on muscle biopsy in at least one individual. All reported individuals were compound heterozygous for the variant and a pathogenic variant and two of those were confirmed in trans by family testing (PMID: 16924035, 25240406, 29926259, 33234167, 34534370). Multiple lines of computational evidence predict a deleterious effect for the missense substitution (6/6 algorithms). Based on the classification scheme RMH Modified ACMG Guidelines v1.5.1, this variant is classified as PATHOGENIC. Following criteria are met: PM3_VeryStrong, PM2_Supporting, PP3, PP4.

Laboratory for Molecular Medicine, Mass General Brigham Personalized Medicine
Classification: Pathogenic for Glycogen storage disease. Last evaluated: 2022-08-26. Review status: criteria provided, single submitter. Criteria: ACMG Guidelines, 2015. Collection method: clinical testing. Allele origin: germline.
Comment: The p.Gly695Arg variant in PYGM has been reported in multiple individuals with glycogen storage disease type V (GSD-V, aka McArdle disease), most frequently as compound heterozygotes in trans with p.Arg50* (the most common pathogenic mutation in PYGM in the Caucasian population) (Scalco 2020 PMID: 33234167, Pizzamiglio 2021 PMID: 34534370, de Luna 2014 PMID: 25240406, Anderson 2006 PMID: 16924035). This variant has not been previously reported in large population databases. It has been reported in ClinVar as pathogenic or likely pathogenic by two submitters (Variation ID: 658611). Computational prediction tools and conservation analyses suggest that this variant may impact the protein. In summary, this variant meets criteria to be classified as pathogenic for autosomal recessive McArdle disease. ACMG/AMP criteria applied: PM3_VeryStrong, PM2_Supporting, PP3.

Literature cited by the submitters: PubMed 16924035 (cited by 3 submitters); PubMed 29143597 (cited by Labcorp Genetics (formerly Invitae), Labcorp and Natera, Inc.); PubMed 30316539 (cited by Labcorp Genetics (formerly Invitae), Labcorp and Natera, Inc.); PubMed 25240406 (cited by Molecular Genetics, Royal Melbourne Hospital); PubMed 29926259 (cited by Molecular Genetics, Royal Melbourne Hospital); PubMed 33234167 (cited by Molecular Genetics, Royal Melbourne Hospital); PubMed 34534370 (cited by Molecular Genetics, Royal Melbourne Hospital).

NM_005609.4(PYGM):c.2083G>A (p.Gly695Arg)

Gene: PYGM (glycogen phosphorylase, muscle associated; minus strand). Cytogenetic location: 11q13.1.
Variant type: single nucleotide variant.
Coding change: c.2083G>A on transcript NM_005609.4 (MANE Select); coding-DNA position 2083, G replaced by A.
Protein change: p.Gly695Arg; replaces glycine 695 with arginine.
Molecular consequence: missense variant.
Genome position (GRCh38, 1-based): chr11:64,750,470, C>T on the plus strand (G>A on the coding strand, the complement: PYGM is on the minus strand). VCF-style: chr11-64750470-C-T. GRCh37 (hg19) VCF-style: chr11-64517942-C-T.
Other names: c.1819G>A, p.Gly607Arg (NM_001164716.1); short protein forms G607R, G695R.
Identifiers: ClinVar variation 658611 (VCV000658611.13), dbSNP rs768604948, ClinGen allele CA6079643.